The following is an entry in ClinVar:

ClinVar aggregate classification (germline): Uncertain significance (1 of 4 stars; one submission).

Conditions:
Inborn genetic diseases. Identifiers: MedGen C0950123, MeSH D030342.

gnomAD v4.1: 3 of 1,614,078 alleles (0.00019%); highest among the groups gnomAD compares: African/African-American, 0.004%; no homozygotes.

Submission:

Ambry Genetics
Classification: Uncertain significance for Inborn genetic diseases. Last evaluated: 2026-09-01. Review status: criteria provided, single submitter. Criteria: Ambry Variant Classification Scheme 2023. Collection method: clinical testing. Allele origin: germline.
Comment: The c.1346C>T (p.A449V) alteration is located in exon 12 (coding exon 12) of the CLPB gene. This alteration results from a C to T substitution at nucleotide position 1346, causing the alanine (A) at amino acid position 449 to be replaced by a valine (V). Based on data from gnomAD, the T allele has an overall frequency of 0.001% (2/251464) total alleles studied. The highest observed frequency was 0.012% (2/16256) of African alleles. Based on insufficient or conflicting evidence, the clinical significance of this alteration remains unclear.

NM_001258392.3(CLPB):c.1256C>T (p.Ala419Val)

Genes: CLPB (ClpB family mitochondrial disaggregase; minus strand), LOC126861258 (MED14-independent group 3 enhancer GRCh37_chr11:72012242-72013441; plus strand). Cytogenetic location: 11q13.4.
Variant type: single nucleotide variant.
Coding change: c.1256C>T on transcript NM_001258392.3 (MANE Select); coding-DNA position 1256, C replaced by T.
Protein change: p.Ala419Val; replaces alanine 419 with valine.
Molecular consequence: missense variant.
Genome position (GRCh38, 1-based): chr11:72,301,876, G>A on the plus strand (C>T on the coding strand, the complement: CLPB is on the minus strand). VCF-style: chr11-72301876-G-A. GRCh37 (hg19) VCF-style: chr11-72012920-G-A.
Other names: c.1169C>T, p.Ala390Val (NM_001258393.3); c.1211C>T, p.Ala404Val (NM_001258394.3); c.1346C>T, p.Ala449Val (NM_030813.6); short protein forms A390V, A449V, A404V, A419V.
Identifiers: ClinVar variation 5034636 (VCV005034636.1).